The following is an entry in ClinVar:

NM_025207.5(FLAD1):c.797A>G (p.Glu266Gly)

Gene: FLAD1 (flavin adenine dinucleotide synthetase 1; plus strand). Cytogenetic location: 1q21.3.
Variant type: single nucleotide variant.
Coding change: c.797A>G on transcript NM_025207.5 (MANE Select); coding-DNA position 797, A replaced by G.
Protein change: p.Glu266Gly; replaces glutamic acid 266 with glycine.
Molecular consequence: missense variant.
Genome position (GRCh38, 1-based): chr1:154,988,529, A>G. VCF-style: chr1-154988529-A-G. GRCh37 (hg19) VCF-style: chr1-154961005-A-G.
Other names: c.506A>G, p.Glu169Gly (NM_001184891.2, NM_201398.3); c.500A>G, p.Glu167Gly (NM_001184892.2); short protein forms E266G, E169G, E167G.
Identifiers: ClinVar variation 1381003 (VCV001381003.6), dbSNP rs769561202, ClinGen allele CA1134407.

ClinVar aggregate classification (germline): Uncertain significance (1 of 4 stars; one submission).

Allele frequency attached by ClinVar (database versions not stated): ExAC 0.00016.

Submission:

Labcorp Genetics (formerly Invitae), Labcorp
Classification: Uncertain significance. Last evaluated: 2021-11-21. Review status: criteria provided, single submitter. Criteria: Invitae Variant Classification Sherloc (09022015). Collection method: clinical testing. Allele origin: germline.
Comment: This sequence change replaces glutamic acid, which is acidic and polar, with glycine, which is neutral and non-polar, at codon 266 of the FLAD1 protein (p.Glu266Gly). In summary, the available evidence is currently insufficient to determine the role of this variant in disease. Therefore, it has been classified as a Variant of Uncertain Significance. Algorithms developed to predict the effect of missense changes on protein structure and function output the following: SIFT: "Deleterious"; PolyPhen-2: "Benign"; Align-GVGD: "Class C0". The glycine amino acid residue is found in multiple mammalian species, which suggests that this missense change does not adversely affect protein function. This variant has not been reported in the literature in individuals affected with FLAD1-related conditions. The frequency data for this variant in the population databases is considered unreliable, as metrics indicate poor data quality at this position in the gnomAD database.